The following is an entry in ClinVar:

NM_000094.4(COL7A1):c.7918A>G (p.Lys2640Glu)

Gene: COL7A1 (collagen type VII alpha 1 chain; minus strand). Cytogenetic location: 3p21.31.
Variant type: single nucleotide variant.
Coding change: c.7918A>G on transcript NM_000094.4 (MANE Select); coding-DNA position 7918, A replaced by G.
Protein change: p.Lys2640Glu; replaces lysine 2640 with glutamic acid.
Molecular consequence: missense variant.
Genome position (GRCh38, 1-based): chr3:48,567,849, T>C on the plus strand (A>G on the coding strand, the complement: COL7A1 is on the minus strand). VCF-style: chr3-48567849-T-C. GRCh37 (hg19) VCF-style: chr3-48605282-T-C.
Other names: short protein forms K2640E.
Identifiers: ClinVar variation 3002065 (VCV003002065.3), dbSNP rs2530827311, ClinGen allele CA352641501.
Genomic context (GRCh38, chr3:48,567,849, plus strand): 5'-GCCTTAGGCCCCAGGCCACGTAGCCCCCCAGCCCCCATCCCCTCTGTACCTTGTCTCCCT[T>C]CTCTCCATCAAGGCCACAGGCTCCCTTCACTCCCCGTTCACCCTGAGGGAGAAAAGCAGA-3'
Protein context (NP_000085.1, residues 2630-2650): VKGACGLDGE[Lys2640Glu]GDKGEAGPPG

ClinVar aggregate classification (germline): Uncertain significance (1 of 4 stars; one submission).

Submission:

Labcorp Genetics (formerly Invitae), Labcorp
Classification: Uncertain significance. Last evaluated: 2024-01-04. Review status: criteria provided, single submitter. Criteria: Invitae Variant Classification Sherloc (09022015). Collection method: clinical testing. Allele origin: germline.
Comment: This sequence change replaces lysine, which is basic and polar, with glutamic acid, which is acidic and polar, at codon 2640 of the COL7A1 protein (p.Lys2640Glu). This variant is not present in population databases (gnomAD no frequency). This variant has not been reported in the literature in individuals affected with COL7A1-related conditions. Advanced modeling of protein sequence and biophysical properties (such as structural, functional, and spatial information, amino acid conservation, physicochemical variation, residue mobility, and thermodynamic stability) has been performed at Invitae for this missense variant, however the output from this modeling did not meet the statistical confidence thresholds required to predict the impact of this variant on COL7A1 protein function. In summary, the available evidence is currently insufficient to determine the role of this variant in disease. Therefore, it has been classified as a Variant of Uncertain Significance.